The following is an entry in ClinVar:

NM_001292063.2(OTOG):c.6284_6287dup (p.Cys2096Ter)

Gene: OTOG (otogelin; plus strand). Cytogenetic location: 11p15.1.
Variant type: Duplication.
Coding change: c.6284_6287dup on transcript NM_001292063.2 (MANE Select); coding-DNA positions 6284 to 6287, 4 bases duplicated (AGTG; older notation c.6284_6287dupAGTG).
Protein change: p.Cys2096Ter; replaces cysteine 2096 with a stop codon.
Molecular consequence: nonsense.
Genome position (GRCh38, 1-based): chr11:17,612,322-17,612,325, AGTG duplicated; duplicating any 4 consecutive bases within chr11:17,612,321-17,612,325 gives the same sequence; the c. name uses the placement nearest the transcript's 3' end. VCF-style (leftmost placement, unchanged base first): chr11-17612320-G-GGAGT. GRCh37 (hg19) VCF-style: chr11-17633867-G-GGAGT.
Other names: c.6320_6323dup, p.Cys2108Ter (NM_001277269.2); short protein forms C2096*, C2108*.
Identifiers: ClinVar variation 3382597 (VCV003382597.3).

ClinVar aggregate classification (germline): Likely pathogenic (1 of 4 stars; one submission).

Conditions:
Autosomal recessive nonsyndromic hearing loss 18B. Also called: Deafness, autosomal recessive 18b. Identifiers: Orphanet 90636, MedGen C3554163, MONDO:0013985, OMIM 614945.

Submission:

Juno Genomics, Hangzhou Juno Genomics, Inc
Classification: Likely pathogenic for Autosomal recessive nonsyndromic hearing loss 18B. Review status: criteria provided, single submitter. Criteria: ACMG Guidelines, 2015. Collection method: clinical testing. Allele origin: germline.
Comment: Absent from controls (or at extremely low frequency if recessive) in Genome Aggregation Database.;Null variant in a gene where loss of function (LOF) is a known mechanism of disease.